The following is an entry in ClinVar:

NM_000130.5(F5):c.4962_4971+3del

Gene: F5 (coagulation factor V; minus strand). Cytogenetic location: 1q24.2.
Variant type: Deletion.
Coding change: c.4962_4971+3del on transcript NM_000130.5 (MANE Select); coding-DNA position 4962 through 3 bases into the intron after coding-DNA position 4971, 13 bases deleted (TGTTATCCAAGTA).
Molecular consequence: splice donor variant.
Genome position (GRCh38, 1-based): chr1:169,536,503-169,536,515, TACTTGGATAACA deleted on the plus strand (TGTTATCCAAGTA on the coding strand, the reverse complement: F5 is on the minus strand); deleting any 13 consecutive bases within chr1:169,536,503-169,536,516 gives the same sequence; the c. name uses the placement nearest the transcript's 3' end. VCF-style (leftmost placement, unchanged base first): chr1-169536502-TTACTTGGATAACA-T. GRCh37 (hg19) VCF-style: chr1-169505740-TTACTTGGATAACA-T.
Identifiers: ClinVar variation 2887062 (VCV002887062.4), dbSNP rs1240137844, ClinGen allele CA890926271.
Genomic context (GRCh38, chr1:169,536,502, plus strand): 5'-TTTACAACCCTCTGGTGCTTGTGGAAATTCCTCCGAAGATCTTAGCAGTGCTCAAAAGAC[TTACTTGGATAACA>T]TCATCCACTTCAGCTCTGATAATAGGACCAAGAATTCCGAGATGCTCTTCATACTCCCCT-3'

ClinVar aggregate classification (germline): Likely pathogenic. Review status: criteria provided, multiple submitters, no conflicts (2 of 4 stars). 2 submissions from 2 submitters: Likely pathogenic (2). Last evaluated 2024-06-24.

Conditions:
Congenital factor V deficiency. Also called: LABILE FACTOR DEFICIENCY; Hereditary factor V deficiency disease; OWREN PARAHEMOPHILIA; PARAHEMOPHILIA. Identifiers: Orphanet 326, MedGen C0015499, MONDO:0009210, OMIM 227400.
Pregnancy loss, recurrent, susceptibility to, 1 (RPRGL1). Also called: EMBRYONIC LOSS, RECURRENT; MISCARRIAGE, RECURRENT; STILLBIRTH, RECURRENT; FETAL LOSS, RECURRENT, SUSCEPTIBILITY TO. Identifiers: MedGen C3280670, MONDO:0013727, OMIM 614389.
Ischemic stroke. Also called: Ischemic stroke, susceptibility to; CEREBROVASCULAR ACCIDENT. Identifiers: MedGen C0948008, MONDO:1060198, OMIM 601367, HP:0002140.
Thrombophilia due to activated protein C resistance (THPH2). Also called: Activated protein C resistance; Hereditary Resistance to Activated Protein C; APC resistance; PCCF DEFICIENCY; PROC COFACTOR DEFICIENCY; THROMBOPHILIA DUE TO DEFICIENCY OF ACTIVATED PROTEIN C COFACTOR. Identifiers: MedGen C1861171, MONDO:0008560, OMIM 188055. Disease mechanism: gain of function, loss of function.
Budd-Chiari syndrome (BDCHS). Also called: Hepatic vein obstruction. Identifiers: Orphanet 131, MedGen C0856761, MONDO:0010947, OMIM 600880, HP:0002639.

Submissions (2):

Fulgent Genetics
Classification: Likely pathogenic for Thrombophilia due to activated protein C resistance; Congenital factor V deficiency; Budd-Chiari syndrome; Ischemic stroke; Pregnancy loss, recurrent, susceptibility to, 1. Last evaluated: 2024-06-24. Review status: criteria provided, single submitter. Criteria: ACMG Guidelines, 2015. Collection method: clinical testing. Allele origin: germline.

Labcorp Genetics (formerly Invitae), Labcorp
Classification: Likely pathogenic for Congenital factor V deficiency. Last evaluated: 2023-04-22. Review status: criteria provided, single submitter. Criteria: Invitae Variant Classification Sherloc (09022015). Collection method: clinical testing. Allele origin: germline.
Comment: In summary, the currently available evidence indicates that the variant is pathogenic, but additional data are needed to prove that conclusively. Therefore, this variant has been classified as Likely Pathogenic. Algorithms developed to predict the effect of sequence changes on RNA splicing suggest that this variant may disrupt the consensus splice site. This variant has not been reported in the literature in individuals affected with F5-related conditions. This variant is not present in population databases (gnomAD no frequency). This variant results in the deletion of part of exon 14 of the F5 gene. It is expected to disrupt RNA splicing. Variants that disrupt the donor or acceptor splice site typically lead to a loss of protein function (PMID: 16199547), and loss-of-function variants in F5 are known to be pathogenic (PMID: 30924984).

Literature cited by the submitters: PubMed 16199547 (cited by Labcorp Genetics (formerly Invitae), Labcorp); PubMed 30924984 (cited by Labcorp Genetics (formerly Invitae), Labcorp).